The following is an entry in ClinVar:

NM_001199397.3(NEK1):c.2896A>G (p.Arg966Gly)

Gene: NEK1 (NIMA related kinase 1; minus strand). Cytogenetic location: 4q33.
Variant type: single nucleotide variant.
Coding change: c.2896A>G on transcript NM_001199397.3 (MANE Select); coding-DNA position 2896, A replaced by G.
Protein change: p.Arg966Gly; replaces arginine 966 with glycine.
Molecular consequence: missense variant. On other transcripts: non-coding transcript variant (1).
Genome position (GRCh38, 1-based): chr4:169,426,224, T>C on the plus strand (A>G on the coding strand, the complement: NEK1 is on the minus strand). VCF-style: chr4-169426224-T-C. GRCh37 (hg19) VCF-style: chr4-170347375-T-C.
Other names: c.2764A>G, p.Arg922Gly (NM_001199398.3); c.2605A>G, p.Arg869Gly (NM_001199399.3); c.2680A>G, p.Arg894Gly (NM_001199400.3); c.2896A>G, p.Arg966Gly (NM_001374418.1); c.2812A>G, p.Arg938Gly (NM_001374419.1, NM_012224.4); c.2761A>G, p.Arg921Gly (NM_001374420.1); c.2413A>G, p.Arg805Gly (NM_001374421.1); c.2812A>G (NM_012224.2); short protein forms R805G, R869G, R894G, R921G, R922G, R938G, R966G.
Identifiers: ClinVar variation 1022085 (VCV001022085.7), dbSNP rs369918838, ClinGen allele CA3137283.

ClinVar aggregate classification (germline): Uncertain significance. Review status: criteria provided, multiple submitters, no conflicts (2 of 4 stars). 2 submissions from 2 submitters: Uncertain significance (2). Last evaluated 2025-10-09.

Conditions:
Inborn genetic diseases. Identifiers: MedGen C0950123, MeSH D030342.
Short-rib thoracic dysplasia 6 with or without polydactyly (SRTD6). Also called: POLYDACTYLY WITH NEONATAL CHONDRODYSTROPHY, TYPE II; Majewski Syndrome; SHORT-RIB THORACIC DYSPLASIA 6 WITH POLYDACTYLY; SHORT-RIB THORACIC DYSPLASIA 6 WITHOUT POLYDACTYLY; SHORT RIB-POLYDACTYLY SYNDROME, TYPE IIA. Identifiers: MedGen C0024507, MONDO:0009894, OMIM 263520.

Allele frequency attached by ClinVar (database versions not stated): gnomAD exomes 0.00001 and 0.00002; ExAC 0.00004; gnomAD 0.00006; TOPMed 0.00015; ESP Exome Variant Server 0.00017.
gnomAD v4.1: 17 of 1,613,028 alleles (0.0011%); highest among the groups gnomAD compares: African/African-American, 0.02%; no homozygotes.

Submissions (2):

Labcorp Genetics (formerly Invitae), Labcorp
Classification: Uncertain significance for Short-rib thoracic dysplasia 6 with or without polydactyly. Last evaluated: 2025-10-09. Review status: criteria provided, single submitter. Criteria: Invitae Variant Classification Sherloc (09022015). Collection method: clinical testing. Allele origin: germline.
Comment: This sequence change replaces arginine, which is basic and polar, with glycine, which is neutral and non-polar, at codon 938 of the NEK1 protein (p.Arg938Gly). This variant is present in population databases (rs369918838, gnomAD 0.03%). This variant has not been reported in the literature in individuals affected with NEK1-related conditions. ClinVar contains an entry for this variant (Variation ID: 1022085). Invitae Evidence Modeling of protein sequence and biophysical properties (such as structural, functional, and spatial information, amino acid conservation, physicochemical variation, residue mobility, and thermodynamic stability) indicates that this missense variant is not expected to disrupt NEK1 protein function with a negative predictive value of 80%. In summary, the available evidence is currently insufficient to determine the role of this variant in disease. Therefore, it has been classified as a Variant of Uncertain Significance.

Ambry Genetics
Classification: Uncertain significance for Inborn genetic diseases. Last evaluated: 2022-06-09. Review status: criteria provided, single submitter. Criteria: Ambry Variant Classification Scheme 2023. Collection method: clinical testing. Allele origin: germline.